The following is an entry in ClinVar:

NM_006164.5(NFE2L2):c.533A>G (p.Asp178Gly)

Gene: NFE2L2 (NFE2 like bZIP transcription factor 2; minus strand). Cytogenetic location: 2q31.2.
Variant type: single nucleotide variant.
Coding change: c.533A>G on transcript NM_006164.5 (MANE Select); coding-DNA position 533, A replaced by G.
Protein change: p.Asp178Gly; replaces aspartic acid 178 with glycine.
Molecular consequence: missense variant.
Genome position (GRCh38, 1-based): chr2:177,232,453, T>C on the plus strand (A>G on the coding strand, the complement: NFE2L2 is on the minus strand). VCF-style: chr2-177232453-T-C. GRCh37 (hg19) VCF-style: chr2-178097181-T-C.
Other names: c.485A>G, p.Asp162Gly (NM_001145412.3, NM_001313900.1, NM_001313901.1); c.464A>G, p.Asp155Gly (NM_001145413.3); c.443A>G, p.Asp148Gly (NM_001313902.2); c.314A>G, p.Asp105Gly (NM_001313903.2); c.233A>G, p.Asp78Gly (NM_001313904.1); short protein forms D155G, D162G, D105G, D78G, D178G, D148G.
Identifiers: ClinVar variation 2732422 (VCV002732422.3), dbSNP rs2468289055, ClinGen allele CA349375937.

ClinVar aggregate classification (germline): Uncertain significance (1 of 4 stars; one submission).

Submission:

Labcorp Genetics (formerly Invitae), Labcorp
Classification: Uncertain significance. Last evaluated: 2023-07-22. Review status: criteria provided, single submitter. Criteria: Invitae Variant Classification Sherloc (09022015). Collection method: clinical testing. Allele origin: germline.
Comment: In summary, the available evidence is currently insufficient to determine the role of this variant in disease. Therefore, it has been classified as a Variant of Uncertain Significance. Advanced modeling of protein sequence and biophysical properties (such as structural, functional, and spatial information, amino acid conservation, physicochemical variation, residue mobility, and thermodynamic stability) performed at Invitae indicates that this missense variant is not expected to disrupt NFE2L2 protein function. This sequence change replaces aspartic acid, which is acidic and polar, with glycine, which is neutral and non-polar, at codon 178 of the NFE2L2 protein (p.Asp178Gly). This variant is not present in population databases (gnomAD no frequency). This variant has not been reported in the literature in individuals affected with NFE2L2-related conditions.